The following is an entry in ClinVar:

NM_001170629.2(CHD8):c.5831A>G (p.Gln1944Arg)

Gene: CHD8 (chromodomain helicase DNA binding protein 8; minus strand). Cytogenetic location: 14q11.2.
Variant type: single nucleotide variant.
Coding change: c.5831A>G on transcript NM_001170629.2 (MANE Select); coding-DNA position 5831, A replaced by G.
Protein change: p.Gln1944Arg; replaces glutamine 1944 with arginine.
Molecular consequence: missense variant.
Genome position (GRCh38, 1-based): chr14:21,393,964, T>C on the plus strand (A>G on the coding strand, the complement: CHD8 is on the minus strand). VCF-style: chr14-21393964-T-C. GRCh37 (hg19) VCF-style: chr14-21862123-T-C.
Other names: c.4994A>G, p.Gln1665Arg (NM_020920.4); short protein forms Q1665R, Q1944R.
Identifiers: ClinVar variation 3657999 (VCV003657999.2).
Genomic context (GRCh38, chr14:21,393,964, plus strand): 5'-TAATTCATACGGGCAGCCAGAAAAGAGAAGTCTGGGTCCTGCATGATGTTGCAGTCTGTT[T>C]GGCTCACCCCATGGCGGGCTGCCCCTCTTAGAAGCTCCCCATCATGCCGAACAGGCTCCC-3'
Protein context (NP_001164100.1, residues 1934-1954): LRGAARHGVS[Gln1944Arg]TDCNIMQDPD

ClinVar aggregate classification (germline): Uncertain significance (1 of 4 stars; one submission).

gnomAD v4.1: 1 of 1,613,964 alleles (0.000062%); highest among the groups gnomAD compares: Non-Finnish European, 0.000085%; no homozygotes.

Submission:

Labcorp Genetics (formerly Invitae), Labcorp
Classification: Uncertain significance. Last evaluated: 2024-06-27. Review status: criteria provided, single submitter. Criteria: Invitae Variant Classification Sherloc (09022015). Collection method: clinical testing. Allele origin: germline.
Comment: This sequence change replaces glutamine, which is neutral and polar, with arginine, which is basic and polar, at codon 1944 of the CHD8 protein (p.Gln1944Arg). This variant is not present in population databases (gnomAD no frequency). This variant has not been reported in the literature in individuals affected with CHD8-related conditions. Advanced modeling of protein sequence and biophysical properties (such as structural, functional, and spatial information, amino acid conservation, physicochemical variation, residue mobility, and thermodynamic stability) performed at Invitae indicates that this missense variant is not expected to disrupt CHD8 protein function with a negative predictive value of 80%. In summary, the available evidence is currently insufficient to determine the role of this variant in disease. Therefore, it has been classified as a Variant of Uncertain Significance.